The following is an entry in ClinVar:

ClinVar aggregate classification (germline): Uncertain significance (1 of 4 stars; one submission).

Conditions:
Progressive sclerosing poliodystrophy (MTDPS4A). Also called: Mitochondrial DNA depletion syndrome 4A (Alpers type); Alpers Syndrome; ALPERS DIFFUSE DEGENERATION OF CEREBRAL GRAY MATTER WITH HEPATIC CIRRHOSIS; Alpers-Huttenlocher Syndrome; ALPERS PROGRESSIVE INFANTILE POLIODYSTROPHY; NEURONAL DEGENERATION OF CHILDHOOD WITH LIVER DISEASE, PROGRESSIVE. Identifiers: Orphanet 726, MedGen C0205710, MONDO:0008758, OMIM 203700.

Submission:

Labcorp Genetics (formerly Invitae), Labcorp
Classification: Uncertain significance for Progressive sclerosing poliodystrophy. Last evaluated: 2022-01-01. Review status: criteria provided, single submitter. Criteria: Invitae Variant Classification Sherloc (09022015). Collection method: clinical testing. Allele origin: germline.
Comment: In summary, the available evidence is currently insufficient to determine the role of this variant in disease. Therefore, it has been classified as a Variant of Uncertain Significance. Experimental studies and prediction algorithms are not available or were not evaluated, and the functional significance of this variant is currently unknown. This variant has not been reported in the literature in individuals affected with POLG-related conditions. This variant is not present in population databases (gnomAD no frequency). This variant, c.3323_3325del, results in the deletion of 1 amino acid(s) of the POLG protein (p.Tyr1108del), but otherwise preserves the integrity of the reading frame.

NM_002693.3(POLG):c.3320ACT[1] (p.Tyr1108del)

Gene: POLG (DNA polymerase gamma, catalytic subunit; minus strand). Cytogenetic location: 15q26.1.
Variant type: Microsatellite.
Coding change: c.3320ACT[1] on transcript NM_002693.3 (MANE Select); one copy of the 3-base unit ACT starting at c.3320; the reference has two copies in a row; one copy, 3 bases deleted.
Protein change: p.Tyr1108del; deletes tyrosine 1108.
Molecular consequence: inframe deletion.
Genome position (GRCh38, 1-based): chr15:89,318,698-89,318,700, AGT deleted on the plus strand (ACT on the coding strand, the reverse complement: POLG is on the minus strand); deleting any 3 consecutive bases within chr15:89,318,698-89,318,703 gives the same sequence; the position shown is the placement nearest the transcript's 3' end. VCF-style (leftmost placement, unchanged base first): chr15-89318697-AAGT-A. GRCh37 (hg19) VCF-style: chr15-89861928-AAGT-A.
Other names: c.3320ACT[1], p.Tyr1108del (NM_001126131.2); short protein forms Y1108del.
Identifiers: ClinVar variation 2137962 (VCV002137962.4), dbSNP rs2509203534, ClinGen allele CA2580612692.